The following is an entry in ClinVar:

ClinVar aggregate classification (germline): Uncertain significance (1 of 4 stars; one submission).

Allele frequency attached by ClinVar (database versions not stated): gnomAD 0.00001; TOPMed 0.00001.
gnomAD v4.1: 13 of 1,565,560 alleles (0.00083%); highest among the groups gnomAD compares: Non-Finnish European, 0.0011%; no homozygotes.

Submission:

Labcorp Genetics (formerly Invitae), Labcorp
Classification: Uncertain significance. Last evaluated: 2022-02-19. Review status: criteria provided, single submitter. Criteria: Invitae Variant Classification Sherloc (09022015). Collection method: clinical testing. Allele origin: germline.
Comment: This variant is not present in population databases (gnomAD no frequency). This sequence change replaces glycine, which is neutral and non-polar, with serine, which is neutral and polar, at codon 4 of the GZF1 protein (p.Gly4Ser). This variant has not been reported in the literature in individuals affected with GZF1-related conditions. Algorithms developed to predict the effect of missense changes on protein structure and function are either unavailable or do not agree on the potential impact of this missense change (SIFT: "Not Available"; PolyPhen-2: "Benign"; Align-GVGD: "Not Available"). In summary, the available evidence is currently insufficient to determine the role of this variant in disease. Therefore, it has been classified as a Variant of Uncertain Significance.

NM_022482.5(GZF1):c.10G>A (p.Gly4Ser)

Gene: GZF1 (GDNF inducible zinc finger protein 1; plus strand). Cytogenetic location: 20p11.21.
Variant type: single nucleotide variant.
Coding change: c.10G>A on transcript NM_022482.5 (MANE Select); coding-DNA position 10, G replaced by A.
Protein change: p.Gly4Ser; replaces glycine 4 with serine.
Molecular consequence: missense variant.
Genome position (GRCh38, 1-based): chr20:23,364,393, G>A. VCF-style: chr20-23364393-G-A. GRCh37 (hg19) VCF-style: chr20-23345030-G-A.
Other names: c.10G>A, p.Gly4Ser (NM_001317012.2, NM_001317019.1); short protein forms G4S.
Identifiers: ClinVar variation 1523448 (VCV001523448.5), dbSNP rs946913529, ClinGen allele CA408408459.